The following is an entry in ClinVar:

ClinVar aggregate classification (germline): Likely pathogenic (1 of 4 stars; one submission).

Conditions:
CA2-related disorder. Also called: CA2-related condition.

Allele frequency attached by ClinVar (database versions not stated): TOPMed below 0.00001; gnomAD 0.00001.
gnomAD v4.1: 1 of 1,612,060 alleles (0.000062%); highest among the groups gnomAD compares: Non-Finnish European, 0.000085%; no homozygotes.

Submission:

PreventionGenetics, part of Exact Sciences
Classification: Likely pathogenic for CA2-related condition. Last evaluated: 2022-09-18. Review status: criteria provided, single submitter. Criteria: ACMG Guidelines, 2015. Collection method: clinical testing. Allele origin: germline.
Comment: The CA2 c.232+2T>G variant is predicted to disrupt the GT donor site and interfere with normal splicing. To our knowledge, this variant has not been reported in the literature or in a large population database, indicating this variant is rare. Variants that disrupt the consensus splice donor site in CA2 are expected to be pathogenic. This variant is interpreted as likely pathogenic.

NM_000067.3(CA2):c.232+2T>G

Gene: CA2 (carbonic anhydrase 2; plus strand). Cytogenetic location: 8q21.2.
Variant type: single nucleotide variant.
Coding change: c.232+2T>G on transcript NM_000067.3 (MANE Select); the canonical splice donor site of the intron after coding-DNA position 232, T replaced by G.
Molecular consequence: splice donor variant.
Genome position (GRCh38, 1-based): chr8:85,465,471, T>G. VCF-style: chr8-85465471-T-G. GRCh37 (hg19) VCF-style: chr8-86377700-T-G.
Other names: c.48+2T>G (NM_001293675.2).
Identifiers: ClinVar variation 2636443 (VCV002636443.1), dbSNP rs1450302081, ClinGen allele CA371425613.